The following is an entry in ClinVar:

NM_005902.4(SMAD3):c.937A>G (p.Ile313Val)

Gene: SMAD3 (SMAD family member 3; plus strand). Cytogenetic location: 15q22.33.
Variant type: single nucleotide variant.
Coding change: c.937A>G on transcript NM_005902.4 (MANE Select); coding-DNA position 937, A replaced by G.
Protein change: p.Ile313Val; replaces isoleucine 313 with valine.
Molecular consequence: missense variant.
Genome position (GRCh38, 1-based): chr15:67,184,792, A>G. VCF-style: chr15-67184792-A-G. GRCh37 (hg19) VCF-style: chr15-67477130-A-G.
Other names: c.622A>G, p.Ile208Val (NM_001145102.2); c.805A>G, p.Ile269Val (NM_001145103.2); c.352A>G, p.Ile118Val (NM_001145104.2); short protein forms I313V, I269V, I118V, I208V.
Identifiers: ClinVar variation 642197 (VCV000642197.8), dbSNP rs1595960434, ClinGen allele CA392956981.

ClinVar aggregate classification (germline): Uncertain significance. Review status: criteria provided, multiple submitters, no conflicts (2 of 4 stars). 2 submissions from 2 submitters: Uncertain significance (2). Last evaluated 2025-10-14.

Conditions:
Familial thoracic aortic aneurysm and aortic dissection (TAAD). Also called: Thoracic aortic aneurysms and dissections. Identifiers: Orphanet 91387, MedGen C4707243, MONDO:0019625.

Allele frequency attached by ClinVar (database versions not stated): TOPMed below 0.00001.

Submissions (2):

Color Diagnostics, LLC DBA Color Health
Classification: Uncertain significance for Familial thoracic aortic aneurysm and aortic dissection. Last evaluated: 2025-10-14. Review status: criteria provided, single submitter. Criteria: ACMG Guidelines, 2015. Collection method: clinical testing. Allele origin: germline.
Comment: This missense variant replaces isoleucine with valine at codon 313 of the SMAD3 protein. Computational prediction is inconclusive regarding the impact of this variant on protein structure and function. To our knowledge, functional studies have not been reported for this variant. This variant has not been reported in individuals affected with SMAD3-related disorders in the literature. This variant has not been identified in the general population by the Genome Aggregation Database (gnomAD). The available evidence is insufficient to determine the role of this variant in disease conclusively. Therefore, this variant is classified as a Variant of Uncertain Significance.

Labcorp Genetics (formerly Invitae), Labcorp
Classification: Uncertain significance for Familial thoracic aortic aneurysm and aortic dissection. Last evaluated: 2018-07-16. Review status: criteria provided, single submitter. Criteria: Invitae Variant Classification Sherloc (09022015). Collection method: clinical testing. Allele origin: germline.
Comment: This sequence change replaces isoleucine with valine at codon 313 of the SMAD3 protein (p.Ile313Val). The isoleucine residue is highly conserved and there is a small physicochemical difference between isoleucine and valine. This variant is not present in population databases (ExAC no frequency). This variant has not been reported in the literature in individuals with SMAD3-related disease. Algorithms developed to predict the effect of missense changes on protein structure and function (SIFT, PolyPhen-2, Align-GVGD) all suggest that this variant is likely to be tolerated, but these predictions have not been confirmed by published functional studies and their clinical significance is uncertain. In summary, the available evidence is currently insufficient to determine the role of this variant in disease. Therefore, it has been classified as a Variant of Uncertain Significance.